The following is an entry in ClinVar:

ClinVar aggregate classification (germline): Uncertain significance (1 of 4 stars; one submission).

Submission:

GeneDx
Classification: Uncertain significance. Last evaluated: 2026-04-18. Review status: criteria provided, single submitter. Criteria: GeneDx Variant Classification Process June 2021. Collection method: clinical testing. Allele origin: germline.
Comment: Not observed at significant frequency in large population cohorts (gnomAD); In silico analysis supports that this missense variant has a deleterious effect on protein structure/function; Has not been previously published as pathogenic or benign to our knowledge

NM_019842.4(KCNQ5):c.1117C>T (p.Leu373Phe)

Gene: KCNQ5 (potassium voltage-gated channel subfamily Q member 5; plus strand). Cytogenetic location: 6q13.
Variant type: single nucleotide variant.
Coding change: c.1117C>T on transcript NM_019842.4 (MANE Select); coding-DNA position 1117, C replaced by T.
Protein change: p.Leu373Phe; replaces leucine 373 with phenylalanine.
Molecular consequence: missense variant.
Genome position (GRCh38, 1-based): chr6:73,111,395, C>T. VCF-style: chr6-73111395-C-T. GRCh37 (hg19) VCF-style: chr6-73821118-C-T.
Other names: c.1117C>T, p.Leu373Phe (NM_001160130.2, NM_001160132.2, NM_001160133.2 and 1 more transcripts); short protein forms L373F.
Identifiers: ClinVar variation 5037402 (VCV005037402.1).